The following is an entry in ClinVar:

ClinVar aggregate classification (germline): Benign/Likely benign. Review status: criteria provided, multiple submitters, no conflicts (2 of 4 stars). 3 submissions from 3 submitters: Benign (1); Likely benign (2). Last evaluated 2026-09-01.

Allele frequency attached by ClinVar (database versions not stated): 1000 Genomes Project 30x 0.00687; TOPMed 0.00950; gnomAD exomes 0.01007; 1000 Genomes Project 0.00679; ExAC 0.01021; ESP Exome Variant Server 0.01053.
gnomAD v4.1: 16,510 of 1,613,050 alleles (1%); highest among the groups gnomAD compares: African/African-American, 1.2%; 140 homozygotes.

Submissions (3):

CeGaT Center for Human Genetics Tuebingen
Classification: Benign. Last evaluated: 2026-09-01. Review status: criteria provided, single submitter. Criteria: CeGaT Center For Human Genetics Tuebingen Variant Classification Criteria Version 2. Collection method: clinical testing. Allele origin: germline. Affected: yes. Observed: 6 variant alleles.
Comment: FHOD3: BS1, BS2

Molecular Diagnostic Laboratory for Inherited Cardiovascular Disease, Montreal Heart Institute
Classification: Likely benign. Last evaluated: 2025-04-09. Review status: criteria provided, single submitter. Criteria: ACMG Guidelines, 2015. Collection method: clinical testing. Allele origin: germline. Affected: no.

GeneDx
Classification: Likely benign. Last evaluated: 2021-03-14. Review status: criteria provided, single submitter. Criteria: GeneDx Variant Classification Process June 2021. Collection method: clinical testing. Allele origin: germline. Affected: yes.
Comment: See Variant Classification Assertion Criteria.

NM_001281740.3(FHOD3):c.1948C>T (p.Arg650Trp)

Gene: FHOD3 (formin homology 2 domain containing 3; plus strand). Cytogenetic location: 18q12.2.
Variant type: single nucleotide variant.
Coding change: c.1948C>T on transcript NM_001281740.3 (MANE Select); coding-DNA position 1948, C replaced by T.
Protein change: p.Arg650Trp; replaces arginine 650 with tryptophan.
Molecular consequence: missense variant.
Genome position (GRCh38, 1-based): chr18:36,681,548, C>T. VCF-style: chr18-36681548-C-T. GRCh37 (hg19) VCF-style: chr18-34261511-C-T.
Other names: c.1423C>T, p.Arg475Trp (NM_001281739.3, NM_025135.5); short protein forms R475W, R650W.
Identifiers: ClinVar variation 1707221 (VCV001707221.27), dbSNP rs9964535, ClinGen allele CA8941705.